The following is an entry in ClinVar:

ClinVar aggregate classification (germline): Uncertain significance (1 of 4 stars; one submission).

Conditions:
Hereditary cancer-predisposing syndrome. Also called: Neoplastic Syndromes, Hereditary; Tumor predisposition; Hereditary neoplastic syndrome; Hereditary Cancer Syndrome. Identifiers: Orphanet 140162, MedGen C0027672, MeSH D009386, MONDO:0015356.

gnomAD v4.1: 1 of 1,609,848 alleles (0.000062%); highest among the groups gnomAD compares: Non-Finnish European, 0.000085%; no homozygotes.

Submission:

Ambry Genetics
Classification: Uncertain significance for Hereditary cancer-predisposing syndrome. Last evaluated: 2024-06-15. Review status: criteria provided, single submitter. Criteria: Ambry Variant Classification Scheme 2023. Collection method: clinical testing. Allele origin: germline.
Comment: The p.N54H variant (also known as c.160A>C), located in coding exon 3 of the POT1 gene, results from an A to C substitution at nucleotide position 160. The asparagine at codon 54 is replaced by histidine, an amino acid with similar properties. This amino acid position is conserved. In addition, this alteration is predicted to be tolerated by in silico analysis. Based on the available evidence, the clinical significance of this variant remains unclear.

NM_015450.3(POT1):c.160A>C (p.Asn54His)

Gene: POT1 (protection of telomeres 1; minus strand). Cytogenetic location: 7q31.33.
Variant type: single nucleotide variant.
Coding change: c.160A>C on transcript NM_015450.3 (MANE Select); coding-DNA position 160, A replaced by C.
Protein change: p.Asn54His; replaces asparagine 54 with histidine.
Molecular consequence: missense variant. On other transcripts: non-coding transcript variant (3), intron variant (1).
Genome position (GRCh38, 1-based): chr7:124,871,006, T>G on the plus strand (A>C on the coding strand, the complement: POT1 is on the minus strand). VCF-style: chr7-124871006-T-G. GRCh37 (hg19) VCF-style: chr7-124511060-T-G.
Other names: c.-138-7366A>C (NM_001042594.2); short protein forms N54H.
Identifiers: ClinVar variation 3308946 (VCV003308946.1).